The following is an entry in ClinVar:

ClinVar aggregate classification (germline): Benign (0 of 4 stars; one submission).

Conditions:
STEAP3-related disorder. Also called: STEAP3-related condition.

Allele frequency attached by ClinVar (database versions not stated): gnomAD exomes 0.01771; ExAC 0.05909; gnomAD 0.06549; TOPMed 0.07330; 1000 Genomes Project 0.07588; 1000 Genomes Project 30x 0.08011.
gnomAD v4.1: 34,635 of 1,498,542 alleles (2.3%); highest among the groups gnomAD compares: African/African-American, 19%; 1,640 homozygotes.

Submission:

PreventionGenetics, part of Exact Sciences
Classification: Benign for STEAP3-related condition. Last evaluated: 2019-03-26. Review status: no assertion criteria provided. Collection method: clinical testing. Allele origin: germline.
Comment: This variant is classified as benign based on ACMG/AMP sequence variant interpretation guidelines (Richards et al. 2015 PMID: 25741868, with internal and published modifications).

NM_182915.3(STEAP3):c.1215+2773A>T

Gene: STEAP3 (STEAP3 metalloreductase; plus strand). Cytogenetic location: 2q14.2.
Variant type: single nucleotide variant.
Coding change: c.1215+2773A>T on transcript NM_182915.3 (MANE Select); 2773 bases into the intron after coding-DNA position 1215, A replaced by T.
Molecular consequence: intron variant. On other transcripts: missense variant (1).
Genome position (GRCh38, 1-based): chr2:119,257,621, A>T. VCF-style: chr2-119257621-A-T. GRCh37 (hg19) VCF-style: chr2-120015197-A-T.
Other names: c.1350A>T, p.Gln450His (NM_138637.3); c.1185+2773A>T (NM_018234.3, NM_001008410.2); short protein forms Q450H.
Identifiers: ClinVar variation 3056077 (VCV003056077.2), dbSNP rs6542517, ClinGen allele CA1846857.